The following is an entry in ClinVar:

NM_019032.6(ADAMTSL4):c.1040A>G (p.His347Arg)

Genes: ADAMTSL4 (ADAMTS like 4; plus strand), ADAMTSL4-AS2 (ADAMTSL4 antisense RNA 2; minus strand). Cytogenetic location: 1q21.2.
Variant type: single nucleotide variant.
Coding change: c.1040A>G on transcript NM_019032.6 (MANE Select); coding-DNA position 1040, A replaced by G.
Protein change: p.His347Arg; replaces histidine 347 with arginine.
Molecular consequence: missense variant.
Genome position (GRCh38, 1-based): chr1:150,554,031, A>G. VCF-style: chr1-150554031-A-G. GRCh37 (hg19) VCF-style: chr1-150526507-A-G.
Other names: c.1040A>G, p.His347Arg (NM_001288607.2, NM_001288608.2, NM_001378596.1 and 1 more transcripts); c.1040A>G (NM_019032.4); short protein forms H347R.
Identifiers: ClinVar variation 2180304 (VCV002180304.4), dbSNP rs1452925694, ClinGen allele CA342303350.

ClinVar aggregate classification (germline): Uncertain significance. Review status: criteria provided, multiple submitters, no conflicts (2 of 4 stars). 5 submissions from 4 submitters: Uncertain significance (5). Last evaluated 2024-10-21.

Conditions:
Ectopia lentis et pupillae. Also called: ECTOPIA LENTIS WITH ECTOPIA OF PUPIL. Identifiers: Orphanet 1885, MedGen C1644196, MONDO:0009153, OMIM 225200.
Ectopia lentis 2, isolated, autosomal recessive (ECTOL2). Identifiers: Orphanet 1885, MedGen C3541474, MONDO:0009152, OMIM 225100.
Inborn genetic diseases. Identifiers: MedGen C0950123, MeSH D030342.

Allele frequency attached by ClinVar (database versions not stated): gnomAD 0.00001; gnomAD exomes 0.00001; TOPMed 0.00002.

Submissions (5):

Blueprint Genetics
Classification: Uncertain significance. Last evaluated: 2024-10-21. Review status: criteria provided, single submitter. Criteria: ACMG Guidelines, 2015. Collection method: clinical testing. Allele origin: germline.

Genome-Nilou Lab
Classification: Uncertain significance for Ectopia lentis et pupillae. Last evaluated: 2023-04-11. Review status: criteria provided, single submitter. Criteria: ACMG Guidelines, 2015. Collection method: clinical testing. Allele origin: germline. Affected: no.

Genome-Nilou Lab
Classification: Uncertain significance for Ectopia lentis 2, isolated, autosomal recessive. Last evaluated: 2023-04-11. Review status: criteria provided, single submitter. Criteria: ACMG Guidelines, 2015. Collection method: clinical testing. Allele origin: germline. Affected: no.

Ambry Genetics
Classification: Uncertain significance for Inborn genetic diseases. Last evaluated: 2022-12-27. Review status: criteria provided, single submitter. Criteria: Ambry Variant Classification Scheme 2023. Collection method: clinical testing. Allele origin: germline.

Labcorp Genetics (formerly Invitae), Labcorp
Classification: Uncertain significance. Last evaluated: 2021-12-20. Review status: criteria provided, single submitter. Criteria: Invitae Variant Classification Sherloc (09022015). Collection method: clinical testing. Allele origin: germline.
Comment: This sequence change replaces histidine, which is basic and polar, with arginine, which is basic and polar, at codon 347 of the ADAMTSL4 protein (p.His347Arg). This variant is present in population databases (no rsID available, gnomAD 0.002%). This variant has not been reported in the literature in individuals affected with ADAMTSL4-related conditions. Algorithms developed to predict the effect of missense changes on protein structure and function are either unavailable or do not agree on the potential impact of this missense change (SIFT: "Deleterious"; PolyPhen-2: "Benign"; Align-GVGD: "Class C0"). In summary, the available evidence is currently insufficient to determine the role of this variant in disease. Therefore, it has been classified as a Variant of Uncertain Significance.